The following is an entry in ClinVar:

NC_000020.10:g.(?_61468415)_(61472084_?)del

Gene: COL9A3 (collagen type IX alpha 3 chain; plus strand). Cytogenetic location: 20q13.33.
Variant type: Deletion.
Identifiers: ClinVar variation 3248332 (VCV003248332.1).

ClinVar aggregate classification (germline): Uncertain significance (1 of 4 stars; one submission).

Submission:

Labcorp Genetics (formerly Invitae), Labcorp
Classification: Uncertain significance. Last evaluated: 2023-10-14. Review status: criteria provided, single submitter. Criteria: Invitae Variant Classification Sherloc (09022015). Collection method: clinical testing. Allele origin: unknown.
Comment: This variant is a gross deletion of the genomic region encompassing exon(s) 30-32 of the COL9A3 gene, which includes the termination codon. This deletion extends beyond the assayed region for this gene and therefore may encompass additional genes. While this deletion is not anticipated to lead to nonsense mediated decay, it is expected to alter mRNA translation or result in a truncated protein product. This variant has not been reported in the literature in individuals affected with COL9A3-related conditions. In summary, the available evidence is currently insufficient to determine the role of this variant in disease. Therefore, it has been classified as a Variant of Uncertain Significance.